The following is an entry in ClinVar:

NM_015338.6(ASXL1):c.4186G>A (p.Val1396Met)

Gene: ASXL1 (ASXL transcriptional regulator 1; plus strand). Cytogenetic location: 20q11.21.
Variant type: single nucleotide variant.
Coding change: c.4186G>A on transcript NM_015338.6 (MANE Select); coding-DNA position 4186, G replaced by A.
Protein change: p.Val1396Met; replaces valine 1396 with methionine.
Molecular consequence: missense variant.
Genome position (GRCh38, 1-based): chr20:32,436,898, G>A. VCF-style: chr20-32436898-G-A. GRCh37 (hg19) VCF-style: chr20-31024701-G-A.
Other names: c.4003G>A, p.Val1335Met (NM_001363734.1); short protein forms V1335M, V1396M.
Identifiers: ClinVar variation 3793217 (VCV003793217.1).

ClinVar aggregate classification (germline): Uncertain significance (1 of 4 stars; one submission).

Conditions:
Inborn genetic diseases. Identifiers: MedGen C0950123, MeSH D030342.

gnomAD v4.1: 1 of 1,614,230 alleles (0.000062%); highest among the groups gnomAD compares: Non-Finnish European, 0.000085%; no homozygotes.

Submission:

Ambry Genetics
Classification: Uncertain significance for Inborn genetic diseases. Last evaluated: 2025-02-06. Review status: criteria provided, single submitter. Criteria: Ambry Variant Classification Scheme 2023. Collection method: clinical testing. Allele origin: germline.
Comment: The p.V1396M variant (also known as c.4186G>A), located in coding exon 13 of the ASXL1 gene, results from a G to A substitution at nucleotide position 4186. The valine at codon 1396 is replaced by methionine, an amino acid with highly similar properties. This amino acid position is conserved. In addition, this alteration is predicted to be tolerated by in silico analysis. Based on the available evidence, the clinical significance of this variant remains unclear.